The following is an entry in ClinVar:

ClinVar aggregate classification (germline): Uncertain significance (1 of 4 stars; one submission).

Allele frequency attached by ClinVar (database versions not stated): ExAC 0.00001; gnomAD 0.00001; gnomAD exomes 0.00001; TOPMed 0.00002; ESP Exome Variant Server 0.00008.
gnomAD v4.1: 23 of 1,613,914 alleles (0.0014%); highest among the groups gnomAD compares: Non-Finnish European, 0.0018%; no homozygotes.

Submission:

Labcorp Genetics (formerly Invitae), Labcorp
Classification: Uncertain significance. Last evaluated: 2022-04-06. Review status: criteria provided, single submitter. Criteria: Invitae Variant Classification Sherloc (09022015). Collection method: clinical testing. Allele origin: germline.
Comment: This sequence change replaces methionine, which is neutral and non-polar, with valine, which is neutral and non-polar, at codon 211 of the LRRC8A protein (p.Met211Val). This variant is present in population databases (rs371652202, gnomAD 0.0009%). This variant has not been reported in the literature in individuals affected with LRRC8A-related conditions. Algorithms developed to predict the effect of missense changes on protein structure and function are either unavailable or do not agree on the potential impact of this missense change (SIFT: "Deleterious"; PolyPhen-2: "Benign"; Align-GVGD: "Class C15"). In summary, the available evidence is currently insufficient to determine the role of this variant in disease. Therefore, it has been classified as a Variant of Uncertain Significance.

NM_019594.4(LRRC8A):c.631A>G (p.Met211Val)

Gene: LRRC8A (leucine rich repeat containing 8 VRAC subunit A; plus strand). Cytogenetic location: 9q34.11.
Variant type: single nucleotide variant.
Coding change: c.631A>G on transcript NM_019594.4 (MANE Select); coding-DNA position 631, A replaced by G.
Protein change: p.Met211Val; replaces methionine 211 with valine.
Molecular consequence: missense variant.
Genome position (GRCh38, 1-based): chr9:128,907,795, A>G. VCF-style: chr9-128907795-A-G. GRCh37 (hg19) VCF-style: chr9-131670074-A-G.
Other names: c.631A>G, p.Met211Val (NM_001127244.2, NM_001127245.2); short protein forms M211V.
Identifiers: ClinVar variation 2192984 (VCV002192984.4), dbSNP rs371652202, ClinGen allele CA5270746.
Genomic context (GRCh38, chr9:128,907,795, plus strand): 5'-AATGGGTCCATGGACAAAAAGTCATCGACCGTCAGTGAGGACGTGGAGGCCACCGTGCCC[A>G]TGCTGCAGCGGACCAAGTCACGGATCGAGCAGGGTATCGTGGACCGCTCAGAGACGGGCG-3'
Protein context (NP_062540.2, residues 201-221): VSEDVEATVP[Met211Val]LQRTKSRIEQ